The following is an entry in ClinVar:

ClinVar aggregate classification (germline): Conflicting classifications of pathogenicity. Review status: criteria provided, conflicting classifications (1 of 4 stars). 2 submissions from 2 submitters: Likely pathogenic (1); Uncertain significance (1). Last evaluated 2025-04-30.

Conditions:
Congenital myasthenic syndrome 4A. Also called: Myasthenic syndrome, congenital, 4a, slow-channel; CONGENITAL MYASTHENIC SYNDROME TYPE Ia1; MYASTHENIC SYNDROME, CONGENITAL, 4A, SLOW-CHANNEL, AUTOSOMAL RECESSIVE. Identifiers: Orphanet 590, MedGen C4225413, MONDO:0011600, OMIM 605809.

gnomAD v4.1: 2 of 1,614,036 alleles (0.00012%); highest among the groups gnomAD compares: Admixed American, 0.0033%; no homozygotes.

Submissions (2):

Labcorp Genetics (formerly Invitae), Labcorp
Classification: Likely pathogenic for Congenital myasthenic syndrome 4A. Last evaluated: 2025-04-30. Review status: criteria provided, single submitter. Criteria: Invitae Variant Classification Sherloc (09022015). Collection method: clinical testing. Allele origin: germline.
Comment: This sequence change replaces leucine, which is neutral and non-polar, with proline, which is neutral and non-polar, at codon 31 of the CHRNE protein (p.Leu31Pro). This variant is present in population databases (rs772240882, gnomAD 0.006%). This missense change has been observed in individuals with autosomal recessive congenital myasthenic syndrome (PMID: 20562457; internal data). This variant is also known as L11P. ClinVar contains an entry for this variant (Variation ID: 3338885). Invitae Evidence Modeling of protein sequence and biophysical properties (such as structural, functional, and spatial information, amino acid conservation, physicochemical variation, residue mobility, and thermodynamic stability) indicates that this missense variant is expected to disrupt CHRNE protein function with a positive predictive value of 95%. In summary, the currently available evidence indicates that the variant is pathogenic, but additional data are needed to prove that conclusively. Therefore, this variant has been classified as Likely Pathogenic.

GeneDx
Classification: Uncertain significance. Last evaluated: 2023-11-06. Review status: criteria provided, single submitter. Criteria: GeneDx Variant Classification Process June 2021. Collection method: clinical testing. Allele origin: germline. Affected: yes.
Comment: In silico analysis supports that this missense variant has a deleterious effect on protein structure/function; Has not been previously published as pathogenic or benign to our knowledge; This variant is associated with the following publications: (PMID: 34749429, 20562457)

Literature cited by the submitters: PubMed 20562457 (cited by Labcorp Genetics (formerly Invitae), Labcorp).

NM_000080.4(CHRNE):c.92T>C (p.Leu31Pro)

Genes: CHRNE (cholinergic receptor nicotinic epsilon subunit; minus strand), C17orf107 (chromosome 17 open reading frame 107; plus strand). Cytogenetic location: 17p13.2.
Variant type: single nucleotide variant.
Coding change: c.92T>C on transcript NM_000080.4 (MANE Select); coding-DNA position 92, T replaced by C.
Protein change: p.Leu31Pro; replaces leucine 31 with proline.
Molecular consequence: missense variant. On other transcripts: 3 prime UTR variant (1).
Genome position (GRCh38, 1-based): chr17:4,902,718, A>G on the plus strand (T>C on the coding strand, the complement: CHRNE is on the minus strand). VCF-style: chr17-4902718-A-G. GRCh37 (hg19) VCF-style: chr17-4806013-A-G.
Other names: c.*2185A>G (NM_001145536.2); short protein forms L31P.
Identifiers: ClinVar variation 3338885 (VCV003338885.2).
Genomic context (GRCh38, chr17:4,902,718, plus strand): 5'-ATGGTGACAGTATCCTCAGGCTCCCGCACTGGCCGGCTTCCTGGGTCATAGTTGTTGAAG[A>G]GATGGTGATAAAGACGCAGTTCCTCGTTCTTCCCCACACCCCTGCCTGCGATGGGGTCAA-3'
Protein context (NP_000071.1, residues 21-41): KNEELRLYHH[Leu31Pro]FNNYDPGSRP